The following is an entry in ClinVar:

NM_213655.5(WNK1):c.3536A>G (p.Gln1179Arg)

Gene: WNK1 (WNK lysine deficient protein kinase 1; plus strand). Cytogenetic location: 12p13.33.
Variant type: single nucleotide variant.
Coding change: c.3536A>G on transcript NM_213655.5 (MANE Plus Clinical); coding-DNA position 3536, A replaced by G.
Protein change: p.Gln1179Arg; replaces glutamine 1179 with arginine.
Molecular consequence: missense variant. On other transcripts: intron variant (2).
Genome position (GRCh38, 1-based): chr12:869,007, A>G. VCF-style: chr12-869007-A-G. GRCh37 (hg19) VCF-style: chr12-978173-A-G.
Other names: c.3281A>G, p.Gln1094Arg (NM_001184985.2); c.2140-2258A>G (NM_018979.4, NM_014823.3); short protein forms Q1094R, Q1179R.
Identifiers: ClinVar variation 1714901 (VCV001714901.5), dbSNP rs1232934409, ClinGen allele CA383342309.
Genomic context (GRCh38, chr12:869,007, plus strand): 5'-CTGCACCTTTTGGCTCTGACGTCTCAATGCCCTTTATCCATCTGCCTCAGACAGTGTTAC[A>G]AGAATCCCCACTTTTCTTCTGTTTCCCCCAAGGAACCACATCTCAGCAGGTCTTAACTGC-3'
Protein context (NP_998820.3, residues 1169-1189): PFIHLPQTVL[Gln1179Arg]ESPLFFCFPQ

ClinVar aggregate classification (germline): Uncertain significance (1 of 4 stars; one submission).

Conditions:
Neuropathy, hereditary sensory and autonomic, type 2A (HSAN2A). Also called: MORVAN DISEASE; NEUROPATHY, CONGENITAL SENSORY; NEUROPATHY, HEREDITARY SENSORY RADICULAR, AUTOSOMAL RECESSIVE; NEUROPATHY, HEREDITARY SENSORY, TYPE IIA; NEUROPATHY, PROGRESSIVE SENSORY, OF CHILDREN; ACROOSTEOLYSIS, GIACCAI TYPE. Identifiers: Orphanet 970, MedGen C2752089, MONDO:0024309, OMIM 201300.
Pseudohypoaldosteronism type 2C (PHA2C). Also called: Pseudohypoaldosteronism Type IIC. Identifiers: Orphanet 757, Orphanet 88940, MedGen C1840391, MONDO:0013778, OMIM 614492.

Submission:

Labcorp Genetics (formerly Invitae), Labcorp
Classification: Uncertain significance for Neuropathy, hereditary sensory and autonomic, type 2A; Pseudohypoaldosteronism type 2C. Last evaluated: 2022-08-05. Review status: criteria provided, single submitter. Criteria: Invitae Variant Classification Sherloc (09022015). Collection method: clinical testing. Allele origin: germline.
Comment: In summary, the available evidence is currently insufficient to determine the role of this variant in disease. Therefore, it has been classified as a Variant of Uncertain Significance. Advanced modeling of protein sequence and biophysical properties (such as structural, functional, and spatial information, amino acid conservation, physicochemical variation, residue mobility, and thermodynamic stability) performed at Invitae indicates that this missense variant is not expected to disrupt WNK1 protein function. This variant has not been reported in the literature in individuals affected with WNK1-related conditions. This variant is not present in population databases (gnomAD no frequency). This sequence change replaces glutamine, which is neutral and polar, with arginine, which is basic and polar, at codon 1179 of the WNK1 protein (p.Gln1179Arg).